The following is an entry in ClinVar:

ClinVar aggregate classification (germline): Uncertain significance. Review status: criteria provided, multiple submitters, no conflicts (2 of 4 stars). 4 submissions from 4 submitters: Uncertain significance (4). Last evaluated 2025-11-10.

Conditions:
Hereditary cancer-predisposing syndrome. Also called: Neoplastic Syndromes, Hereditary; Hereditary neoplastic syndrome; Hereditary Cancer Syndrome; Tumor predisposition. Identifiers: Orphanet 140162, MedGen C0027672, MeSH D009386, MONDO:0015356.
Gastrointestinal stromal tumor. Also called: Gastrointestinal stromal tumor, somatic; Gastrointestinal stroma tumor. Identifiers: Orphanet 44890, MedGen C0238198, MeSH D046152, MONDO:0011719, OMIM 606764, HP:0100723.
Piebaldism. Also called: Piebald skin depigmentation. Identifiers: Orphanet 2884, MedGen C0080024, MONDO:0008244, OMIM 172800, HP:0007544.
Cutaneous mastocytosis. Also called: MASTOCYTOSIS, MACULOPAPULAR CUTANEOUS. Identifiers: Orphanet 66646, MedGen C1136033, MONDO:0019023, OMIM 154800, HP:0200151.
Acute myeloid leukemia (AML). Also called: Leukemia, acute myeloid, somatic; Leukemia, acute myelogenous, somatic; Acute myeloid leukemia, adult; AML adult; Acute non-lymphocytic leukemia; Acute granulocytic leukemia. Identifiers: Orphanet 519, MedGen C0023467, MeSH D015470, MONDO:0018874, OMIM 601626, HP:0004808. Disease mechanism: Constitutively activated FLT3.
Germ cell tumor of testis (TGCT). Also called: Testicular germ cell tumor; GERM CELL TUMOR, SOMATIC. Identifiers: Orphanet 363504, MedGen C1336708, MONDO:0010108, OMIM 273300.

Allele frequency attached by ClinVar (database versions not stated): 1000 Genomes Project 0.00020; TOPMed 0.00001; 1000 Genomes Project 30x 0.00016.
gnomAD v4.1: 8 of 1,585,994 alleles (0.0005%); highest among the groups gnomAD compares: Admixed American, 0.0033%; no homozygotes.

Submissions (4):

Labcorp Genetics (formerly Invitae), Labcorp
Classification: Uncertain significance for Gastrointestinal stromal tumor. Last evaluated: 2025-11-10. Review status: criteria provided, single submitter. Criteria: Invitae Variant Classification Sherloc (09022015). Collection method: clinical testing. Allele origin: germline.
Comment: This sequence change replaces glutamine, which is neutral and polar, with histidine, which is basic and polar, at codon 448 of the KIT protein (p.Gln448His). This variant is present in population databases (rs542718349, gnomAD 0.006%). This variant has not been reported in the literature in individuals affected with KIT-related conditions. ClinVar contains an entry for this variant (Variation ID: 458867). An algorithm developed to predict the effect of missense changes on protein structure and function (PolyPhen-2) suggests that this variant is likely to be disruptive. In summary, the available evidence is currently insufficient to determine the role of this variant in disease. Therefore, it has been classified as a Variant of Uncertain Significance.

Ambry Genetics
Classification: Uncertain significance for Hereditary cancer-predisposing syndrome. Last evaluated: 2025-11-08. Review status: criteria provided, single submitter. Criteria: Ambry Variant Classification Scheme 2023. Collection method: clinical testing. Allele origin: germline.

Fulgent Genetics
Classification: Uncertain significance for Cutaneous mastocytosis; Piebaldism; Germ cell tumor of testis; Acute myeloid leukemia; Gastrointestinal stromal tumor. Last evaluated: 2024-03-28. Review status: criteria provided, single submitter. Criteria: ACMG Guidelines, 2015. Collection method: clinical testing. Allele origin: germline.

Baylor Genetics
Classification: Uncertain significance for Gastrointestinal stromal tumor. Last evaluated: 2023-12-18. Review status: criteria provided, single submitter. Criteria: ACMG Guidelines, 2015. Collection method: clinical testing. Allele origin: unknown.

NM_000222.3(KIT):c.1344G>C (p.Gln448His)

Gene: KIT (KIT proto-oncogene, receptor tyrosine kinase; plus strand). Cytogenetic location: 4q12.
Variant type: single nucleotide variant.
Coding change: c.1344G>C on transcript NM_000222.3 (MANE Select); coding-DNA position 1344, G replaced by C.
Protein change: p.Gln448His; replaces glutamine 448 with histidine.
Molecular consequence: missense variant.
Genome position (GRCh38, 1-based): chr4:54,723,696, G>C. VCF-style: chr4-54723696-G-C. GRCh37 (hg19) VCF-style: chr4-55589862-G-C.
Other names: c.1344G>C, p.Gln448His (NM_001093772.2, NM_001385285.1, NM_001385286.1); c.1347G>C, p.Gln449His (NM_001385284.1, NM_001385288.1, NM_001385290.1 and 1 more transcripts); short protein forms Q448H, Q449H.
Identifiers: ClinVar variation 458867 (VCV000458867.16), dbSNP rs542718349, ClinGen allele CA2923457.